The following is an entry in ClinVar:

ClinVar aggregate classification (germline): Pathogenic (1 of 4 stars; one submission).

Conditions:
Bloom syndrome (BLM). Also called: Bloom-Torre-Machacek syndrome. Identifiers: Orphanet 125, MedGen C0005859, MONDO:0008876, OMIM 210900.

Submission:

Women's Health and Genetics/Laboratory Corporation of America, LabCorp
Classification: Pathogenic for Bloom syndrome. Last evaluated: 2024-09-27. Review status: criteria provided, single submitter. Criteria: LabCorp Variant Classification Summary - May 2015. Collection method: clinical testing. Allele origin: germline.
Comment: Variant summary: BLM c.3479dupA (p.Tyr1160X) results in a premature termination codon, predicted to cause a truncation of the encoded protein or absence of the protein due to nonsense mediated decay, which are commonly known mechanisms for disease. The variant was absent in 251418 control chromosomes. To our knowledge, no occurrence of c.3479dupA in individuals affected with Bloom Syndrome and no experimental evidence demonstrating its impact on protein function have been reported. No submitters have cited clinical-significance assessments for this variant to ClinVar. Based on the evidence outlined above, the variant was classified as pathogenic.

NM_000057.4(BLM):c.3479dup (p.Tyr1160Ter)

Gene: BLM (BLM RecQ like helicase; plus strand). Cytogenetic location: 15q26.1.
Variant type: Duplication.
Coding change: c.3479dup on transcript NM_000057.4 (MANE Select); coding-DNA position 3479, one base duplicated (A; older notation c.3479dupA).
Protein change: p.Tyr1160Ter; replaces tyrosine 1160 with a stop codon.
Molecular consequence: nonsense. On other transcripts: intron variant (1).
Genome position (GRCh38, 1-based): chr15:90,803,641, A duplicated. VCF-style (leftmost placement, unchanged base first): chr15-90803640-T-TA. GRCh37 (hg19) VCF-style: chr15-91346870-T-TA.
Other names: c.3479dup, p.Tyr1160Ter (NM_001287246.2); c.2354dup, p.Tyr785Ter (NM_001287248.2); c.3358+5304dup (NM_001287247.2); c.3479dupA (NM_000057.4); short protein forms Y1160*, Y785*.
Identifiers: ClinVar variation 3375153 (VCV003375153.1).